The following is an entry in ClinVar:

NM_005097.4(LGI1):c.191C>T (p.Thr64Ile)

Gene: LGI1 (leucine rich glioma inactivated 1; plus strand). Cytogenetic location: 10q23.33.
Variant type: single nucleotide variant.
Coding change: c.191C>T on transcript NM_005097.4 (MANE Select); coding-DNA position 191, C replaced by T.
Protein change: p.Thr64Ile; replaces threonine 64 with isoleucine.
Molecular consequence: missense variant. On other transcripts: non-coding transcript variant (1).
Genome position (GRCh38, 1-based): chr10:93,758,335, C>T. VCF-style: chr10-93758335-C-T. GRCh37 (hg19) VCF-style: chr10-95518092-C-T.
Other names: p.T64I:ACC>ATC; c.191C>T, p.Thr64Ile (NM_001308275.2, NM_001308276.2); short protein forms T64I.
Identifiers: ClinVar variation 206023 (VCV000206023.18), dbSNP rs373616721, ClinGen allele CA315707.

ClinVar aggregate classification (germline): Conflicting classifications of pathogenicity. Review status: criteria provided, conflicting classifications (1 of 4 stars). 5 submissions from 5 submitters: Uncertain significance (4); Likely benign (1). Last evaluated 2025-12-16.

Conditions:
Autosomal dominant epilepsy with auditory features. Identifiers: Orphanet 101046, MedGen C1838062, MONDO:0010898.
Inborn genetic diseases. Identifiers: MedGen C0950123, MeSH D030342.
Epilepsy, familial temporal lobe, 1. Identifiers: Orphanet 101046, MedGen CN030884, MONDO:0700090, OMIM 600512.

Allele frequency attached by ClinVar (database versions not stated): ExAC 0.00004; gnomAD exomes 0.00006 and 0.00018; ESP Exome Variant Server 0.00008; TOPMed 0.00008; gnomAD 0.00010 and 0.00011.
gnomAD v4.1: 278 of 1,614,042 alleles (0.017%); highest among the groups gnomAD compares: Non-Finnish European, 0.022%; 1 homozygote.

Submissions (5):

Labcorp Genetics (formerly Invitae), Labcorp
Classification: Uncertain significance for Autosomal dominant epilepsy with auditory features. Last evaluated: 2025-12-16. Review status: criteria provided, single submitter. Criteria: Invitae Variant Classification Sherloc (09022015). Collection method: clinical testing. Allele origin: germline.
Comment: This sequence change replaces threonine, which is neutral and polar, with isoleucine, which is neutral and non-polar, at codon 64 of the LGI1 protein (p.Thr64Ile). This variant is present in population databases (rs373616721, gnomAD 0.01%). This variant has not been reported in the literature in individuals affected with LGI1-related conditions. ClinVar contains an entry for this variant (Variation ID: 206023). Invitae Evidence Modeling of protein sequence and biophysical properties (such as structural, functional, and spatial information, amino acid conservation, physicochemical variation, residue mobility, and thermodynamic stability) indicates that this missense variant is not expected to disrupt LGI1 protein function with a negative predictive value of 80%. In summary, the available evidence is currently insufficient to determine the role of this variant in disease. Therefore, it has been classified as a Variant of Uncertain Significance.

Ambry Genetics
Classification: Likely benign for Inborn genetic diseases. Last evaluated: 2024-08-19. Review status: criteria provided, single submitter. Criteria: Ambry Variant Classification Scheme 2023. Collection method: clinical testing. Allele origin: germline.

Fulgent Genetics
Classification: Uncertain significance for Epilepsy, familial temporal lobe, 1. Last evaluated: 2021-09-08. Review status: criteria provided, single submitter. Criteria: ACMG Guidelines, 2015. Collection method: clinical testing. Allele origin: unknown.

GeneDx
Classification: Uncertain significance. Last evaluated: 2020-10-01. Review status: criteria provided, single submitter. Criteria: GeneDx Variant Classification Process June 2021. Collection method: clinical testing. Allele origin: germline. Affected: yes.
Comment: In silico analysis supports that this missense variant has a deleterious effect on protein structure/function; Has not been previously published as pathogenic or benign to our knowledge

Illumina Laboratory Services, Illumina
Classification: Uncertain significance for Epilepsy, familial temporal lobe, 1. Last evaluated: 2018-01-13. Review status: criteria provided, single submitter. Criteria: ICSL Variant Classification Criteria 13 December 2019. Collection method: clinical testing. Allele origin: germline.